The following is an entry in ClinVar:

ClinVar aggregate classification (germline): Conflicting classifications of pathogenicity. Review status: criteria provided, conflicting classifications (1 of 4 stars). 5 submissions from 5 submitters: Uncertain significance (4); Likely benign (1). Last evaluated 2025-10-27.

Conditions:
COL11A1-related disorder. Also called: COL11A1-related disorders; COL11A1-related condition.
Hearing loss, autosomal dominant 37. Also called: DEAFNESS, AUTOSOMAL DOMINANT 37. Identifiers: MedGen C4760307, MONDO:0032802, OMIM 618533.
Marshall syndrome (MRSHS). Identifiers: Orphanet 560, MedGen C0265235, MONDO:0007949, OMIM 154780.
Stickler syndrome type 2 (STL2). Also called: STICKLER SYNDROME, BEADED VITREOUS TYPE; STICKLER SYNDROME, VITREOUS TYPE 2; COL11A1-Related Stickler Syndrome; STICKLER SYNDROME, TYPE II. Identifiers: Orphanet 828, Orphanet 90654, MedGen C1858084, MONDO:0011493, OMIM 604841.
Fibrochondrogenesis 1 (FBCG1). Identifiers: Orphanet 2021, MedGen C3278138, MONDO:0009226, OMIM 228520.
Intervertebral disc disorder (IDD). Also called: Lumbar disk degenerative disorder; INTERVERTEBRAL DISC DISEASE. Identifiers: MedGen C0158252, MONDO:0044339, OMIM 603932.
Inborn genetic diseases. Identifiers: MedGen C0950123, MeSH D030342.

Allele frequency attached by ClinVar (database versions not stated): gnomAD 0.00002 and 0.00003; TOPMed 0.00003; ESP Exome Variant Server 0.00008.
gnomAD v4.1: 6 of 1,612,716 alleles (0.00037%); highest among the groups gnomAD compares: African/African-American, 0.004%; no homozygotes.

Submissions (5):

PreventionGenetics, part of Exact Sciences
Classification: Uncertain significance for COL11A1-related condition. Last evaluated: 2025-10-27. Review status: criteria provided, single submitter. Criteria: ACMG Guidelines, 2015. Collection method: clinical testing. Allele origin: germline.
Comment: The COL11A1 c.4213G>A variant is predicted to result in the amino acid substitution p.Gly1405Ser. To our knowledge, this variant has not been reported in the literature. This variant affects a Gly residue of the conserved Gly-Xaa-Yaa triple helical domain (amino acid residues 529-1542), where substitutions of a glycine residue are usually pathogenic (Richards et al. 2010. PubMed ID: 20513134). This variant is reported in 0.0062% of alleles in individuals of African descent in gnomAD; and, it is associated with conflicting interpretations of uncertain significance and likely benign in ClinVar (ClinVar ID: 985246). Although we suspect that this variant may be pathogenic, at this time, the clinical significance of this variant is uncertain due to the absence of conclusive functional and genetic evidence.

GeneDx
Classification: Uncertain significance. Last evaluated: 2025-07-08. Review status: criteria provided, single submitter. Criteria: GeneDx Variant Classification Process June 2021. Collection method: clinical testing. Allele origin: germline. Affected: yes.
Comment: Not observed at significant frequency in large population cohorts (gnomAD); In silico analysis supports that this missense variant has a deleterious effect on protein structure/function; Has not been previously published as pathogenic or benign to our knowledge; This variant is associated with the following publications: (PMID: 25240749)

Labcorp Genetics (formerly Invitae), Labcorp
Classification: Likely benign. Last evaluated: 2025-01-28. Review status: criteria provided, single submitter. Criteria: Invitae Variant Classification Sherloc (09022015). Collection method: clinical testing. Allele origin: germline.

Ambry Genetics
Classification: Uncertain significance for Inborn genetic diseases. Last evaluated: 2018-11-16. Review status: criteria provided, single submitter. Criteria: Ambry exome assertion method (8-5-2015). Collection method: clinical testing. Allele origin: germline. Affected: yes. Observed: 1 variant allele.

Juno Genomics, Hangzhou Juno Genomics, Inc
Classification: Uncertain significance for Intervertebral disc disorder; Hearing loss, autosomal dominant 37; Fibrochondrogenesis 1; Marshall syndrome; Stickler syndrome type 2. Review status: criteria provided, single submitter. Criteria: ACMG Guidelines, 2015. Collection method: clinical testing. Allele origin: germline. Affected: yes.
Comment: Absent from controls (or at extremely low frequency if recessive) in Genome Aggregation Database, Exome Sequencing Project, 1000 Genomes Project, or Exome Aggregation Consortium.;Multiple lines of computational evidence support a deleterious effect on the gene or gene product (conservation, evolutionary, splicing impact, etc).

NM_001854.4(COL11A1):c.4213G>A (p.Gly1405Ser)

Gene: COL11A1 (collagen type XI alpha 1 chain; minus strand). Cytogenetic location: 1p21.1.
Variant type: single nucleotide variant.
Coding change: c.4213G>A on transcript NM_001854.4 (MANE Select); coding-DNA position 4213, G replaced by A.
Protein change: p.Gly1405Ser; replaces glycine 1405 with serine.
Molecular consequence: missense variant. On other transcripts: non-coding transcript variant (1).
Genome position (GRCh38, 1-based): chr1:102,898,701, C>T on the plus strand (G>A on the coding strand, the complement: COL11A1 is on the minus strand). VCF-style: chr1-102898701-C-T. GRCh37 (hg19) VCF-style: chr1-103364257-C-T.
Other names: c.4096G>A, p.Gly1366Ser (NM_001190709.2); c.4249G>A, p.Gly1417Ser (NM_080629.3); c.3865G>A, p.Gly1289Ser (NM_080630.4); short protein forms G1289S, G1366S, G1405S, G1417S.
Identifiers: ClinVar variation 985246 (VCV000985246.12), dbSNP rs376137502, ClinGen allele CA973632.
Genomic context (GRCh38, chr1:102,898,701, plus strand): 5'-GCATCTTTTTAACACAGATGCTCACCACAGGACCAGGGATGCCCCGAAGACCTTCTGGAC[C>T]AGGCTTTCCTGCAGGTCCCTGAGGACCGACTGGGCCGGTTTTTCCAGGAGGACCTTCTGC-3'
Protein context (NP_001845.3, residues 1395-1415): VGPQGPAGKP[Gly1405Ser]PEGLRGIPGP